The following is an entry in ClinVar:

ClinVar aggregate classification (germline): Uncertain significance (1 of 4 stars; one submission).

Allele frequency attached by ClinVar (database versions not stated): gnomAD exomes 0.00008 and 0.00018; ExAC 0.00011; ESP Exome Variant Server 0.00023; 1000 Genomes Project 30x 0.00031; TOPMed 0.00032; gnomAD 0.00039 and 0.00040; 1000 Genomes Project 0.00040.
gnomAD v4.1: 188 of 1,614,080 alleles (0.012%); highest among the groups gnomAD compares: Admixed American, 0.11%; 1 homozygote.

Submission:

Labcorp Genetics (formerly Invitae), Labcorp
Classification: Uncertain significance. Last evaluated: 2025-04-28. Review status: criteria provided, single submitter. Criteria: Invitae Variant Classification Sherloc (09022015). Collection method: clinical testing. Allele origin: germline.
Comment: This sequence change replaces arginine, which is basic and polar, with cysteine, which is neutral and slightly polar, at codon 1152 of the KANK1 protein (p.Arg1152Cys). This variant is present in population databases (rs114533803, gnomAD 0.07%), and has an allele count higher than expected for a pathogenic variant. This variant has not been reported in the literature in individuals affected with KANK1-related conditions. ClinVar contains an entry for this variant (Variation ID: 1414269). Invitae Evidence Modeling of protein sequence and biophysical properties (such as structural, functional, and spatial information, amino acid conservation, physicochemical variation, residue mobility, and thermodynamic stability) indicates that this missense variant is expected to disrupt KANK1 protein function with a positive predictive value of 80%. In summary, the available evidence is currently insufficient to determine the role of this variant in disease. Therefore, it has been classified as a Variant of Uncertain Significance.

NM_015158.5(KANK1):c.3454C>T (p.Arg1152Cys)

Genes: KANK1 (KN motif and ankyrin repeat domains 1; plus strand), LOC126860554 (MED14-independent group 3 enhancer GRCh37_chr9:737889-739088; plus strand). Cytogenetic location: 9p24.3.
Variant type: single nucleotide variant.
Coding change: c.3454C>T on transcript NM_015158.5 (MANE Select); coding-DNA position 3454, C replaced by T.
Protein change: p.Arg1152Cys; replaces arginine 1152 with cysteine.
Molecular consequence: missense variant. On other transcripts: non-coding transcript variant (1).
Genome position (GRCh38, 1-based): chr9:738,405, C>T. VCF-style: chr9-738405-C-T. GRCh37 (hg19) VCF-style: chr9-738405-C-T.
Other names: c.3454C>T, p.Arg1152Cys (NM_001256876.3, NM_001256877.3, NM_001354334.2); c.3214C>T, p.Arg1072Cys (NM_001354331.2); c.3400C>T, p.Arg1134Cys (NM_001354332.2); c.2980C>T, p.Arg994Cys (NM_001354333.2, NM_001354335.2, NM_001354337.2 and 2 more transcripts); c.2686C>T, p.Arg896Cys (NM_001354336.2); c.2926C>T, p.Arg976Cys (NM_001354338.2, NM_001354340.2, NM_001354344.2); c.2740C>T, p.Arg914Cys (NM_001354339.2, NM_001354342.2, NM_001354343.2); short protein forms R896C, R976C, R994C, R914C, R1134C, R1072C, R1152C.
Identifiers: ClinVar variation 1414269 (VCV001414269.6), dbSNP rs114533803, ClinGen allele CA4960964.